The following is an entry in ClinVar:

ClinVar aggregate classification (germline): Uncertain significance (1 of 4 stars; one submission).

Conditions:
Idiopathic generalized epilepsy. Also called: EIG; Generalised epilepsy. Identifiers: MedGen C0270850, MONDO:0005579, OMIM 600669.
Hyperaldosteronism, familial, type IV (HALD4). Also called: FH IV; ALDOSTERONISM, PRIMARY, AND HYPERTENSION. Identifiers: Orphanet 642671, MedGen C4310756, MONDO:0014875, OMIM 617027.

Submission:

Labcorp Genetics (formerly Invitae), Labcorp
Classification: Uncertain significance for Idiopathic generalized epilepsy; Hyperaldosteronism, familial, type IV. Last evaluated: 2020-12-22. Review status: criteria provided, single submitter. Criteria: Invitae Variant Classification Sherloc (09022015). Collection method: clinical testing. Allele origin: germline.
Comment: This variant is not present in population databases (ExAC no frequency). This sequence change replaces glutamic acid with lysine at codon 2199 of the CACNA1H protein (p.Glu2199Lys). The glutamic acid residue is highly conserved and there is a small physicochemical difference between glutamic acid and lysine. This variant has not been reported in the literature in individuals with CACNA1H-related conditions. In summary, the available evidence is currently insufficient to determine the role of this variant in disease. Therefore, it has been classified as a Variant of Uncertain Significance. Advanced modeling of protein sequence and biophysical properties (such as structural, functional, and spatial information, amino acid conservation, physicochemical variation, residue mobility, and thermodynamic stability) performed at Invitae indicates that this missense variant is not expected to disrupt CACNA1H protein function.

NM_021098.3(CACNA1H):c.6595G>A (p.Glu2199Lys)

Gene: CACNA1H (calcium voltage-gated channel subunit alpha1 H; plus strand). Cytogenetic location: 16p13.3.
Variant type: single nucleotide variant.
Coding change: c.6595G>A on transcript NM_021098.3 (MANE Select); coding-DNA position 6595, G replaced by A.
Protein change: p.Glu2199Lys; replaces glutamic acid 2199 with lysine.
Molecular consequence: missense variant.
Genome position (GRCh38, 1-based): chr16:1,220,527, G>A. VCF-style: chr16-1220527-G-A. GRCh37 (hg19) VCF-style: chr16-1270527-G-A.
Other names: c.6577G>A, p.Glu2193Lys (NM_001005407.2); short protein forms E2193K, E2199K.
Identifiers: ClinVar variation 1439037 (VCV001439037.8), dbSNP rs2141410625, ClinGen allele CA394150030.
Genomic context (GRCh38, chr16:1,220,527, plus strand): 5'-CTGGGTGCGCGCAGAAAGAAGAAGATGAGCCCCCCCTGCATCTCGGTGGAACCCCCTGCG[G>A]AGGACGAGGGCTCTGCGCGGCCCTCCGCGGCAGAGGGCGGCAGCACCACACTGAGGCGCA-3'
Protein context (NP_066921.2, residues 2189-2209): PPCISVEPPA[Glu2199Lys]DEGSARPSAA